The following is an entry in ClinVar:

NM_012452.3(TNFRSF13B):c.693C>G (p.Ser231Arg)

Gene: TNFRSF13B (TNF receptor superfamily member 13B; minus strand). Cytogenetic location: 17p11.2.
Variant type: single nucleotide variant.
Coding change: c.693C>G on transcript NM_012452.3 (MANE Select); coding-DNA position 693, C replaced by G.
Protein change: p.Ser231Arg; replaces serine 231 with arginine.
Molecular consequence: missense variant.
Genome position (GRCh38, 1-based): chr17:16,939,736, G>C on the plus strand (C>G on the coding strand, the complement: TNFRSF13B is on the minus strand). VCF-style: chr17-16939736-G-C. GRCh37 (hg19) VCF-style: chr17-16843050-G-C.
Other names: short protein forms S231R.
Identifiers: ClinVar variation 1031204 (VCV001031204.30), dbSNP rs145711865, ClinGen allele CA8413878.

ClinVar aggregate classification (germline): Uncertain significance. Review status: criteria provided, multiple submitters, no conflicts (2 of 4 stars). 6 submissions from 6 submitters: Uncertain significance (6). Last evaluated 2024-07-19.

Conditions:
Immunodeficiency, common variable, 2 (CVID2). Also called: HYPOGAMMAGLOBULINEMIA DUE TO TACI DEFICIENCY; ANTIBODY DEFICIENCY DUE TO TACI DEFECT. Identifiers: Orphanet 1572, MedGen C3150354, MONDO:0009413, OMIM 240500.
Immunoglobulin A deficiency 2 (IGAD2). Identifiers: MedGen C1836032, MONDO:0012291, OMIM 609529.

Allele frequency attached by ClinVar (database versions not stated): gnomAD 0.00001; ExAC 0.00002; gnomAD exomes 0.00002 and 0.00003; TOPMed 0.00002; ESP Exome Variant Server 0.00008.
gnomAD v4.1: 30 of 1,607,094 alleles (0.0019%); highest among the groups gnomAD compares: Admixed American, 0.0034%; no homozygotes.

Submissions (6):

Blueprint Genetics
Classification: Uncertain significance. Last evaluated: 2024-07-19. Review status: criteria provided, single submitter. Criteria: ACMG Guidelines, 2015. Collection method: clinical testing. Allele origin: germline.

GeneDx
Classification: Uncertain significance. Last evaluated: 2024-04-06. Review status: criteria provided, single submitter. Criteria: GeneDx Variant Classification Process June 2021. Collection method: clinical testing. Allele origin: germline. Affected: yes.
Comment: Observed in the heterozygous state in a patient with hypogammaglobulinemia, recurrent respiratory infections, autoimmune thrombocytopenia, and autoimmune hemolytic anemia and was inherited from an asymptomatic mother (PMID: 22076597); Published functional studies demonstrate a damaging effect (PMID: 20676093, 23225259, 29133782); In silico analysis supports that this missense variant has a deleterious effect on protein structure/function; This variant is associated with the following publications: (PMID: 26096648, 23225259, 22076597, 29133782, 20676093, 27250108)

CeGaT Center for Human Genetics Tuebingen
Classification: Uncertain significance. Last evaluated: 2023-09-01. Review status: criteria provided, single submitter. Criteria: CeGaT Center For Human Genetics Tuebingen Variant Classification Criteria Version 2. Collection method: clinical testing. Allele origin: germline. Affected: yes. Observed: 1 variant allele.
Comment: TNFRSF13B: PM2, PS3:Supporting, PS4:Supporting

Labcorp Genetics (formerly Invitae), Labcorp
Classification: Uncertain significance for Immunodeficiency, common variable, 2. Last evaluated: 2022-08-23. Review status: criteria provided, single submitter. Criteria: Invitae Variant Classification Sherloc (09022015). Collection method: clinical testing. Allele origin: germline.
Comment: This sequence change replaces serine, which is neutral and polar, with arginine, which is basic and polar, at codon 231 of the TNFRSF13B protein (p.Ser231Arg). This variant is present in population databases (rs145711865, gnomAD 0.006%). This missense change has been observed in individual(s) with common variable immunodeficiency (PMID: 22076597). ClinVar contains an entry for this variant (Variation ID: 1031204). Algorithms developed to predict the effect of missense changes on protein structure and function are either unavailable or do not agree on the potential impact of this missense change (SIFT: "Deleterious"; PolyPhen-2: "Probably Damaging"; Align-GVGD: "Class C0"). Experimental studies have shown that this missense change affects TNFRSF13B function (PMID: 20676093, 23225259). Algorithms developed to predict the effect of sequence changes on RNA splicing suggest that this variant may create or strengthen a splice site. In summary, the available evidence is currently insufficient to determine the role of this variant in disease. Therefore, it has been classified as a Variant of Uncertain Significance.

Fulgent Genetics
Classification: Uncertain significance for Immunodeficiency, common variable, 2; Immunoglobulin A deficiency 2. Last evaluated: 2022-03-18. Review status: criteria provided, single submitter. Criteria: ACMG Guidelines, 2015. Collection method: clinical testing. Allele origin: unknown.

Baylor Genetics
Classification: Uncertain significance for Immunoglobulin A deficiency 2. Last evaluated: 2020-11-19. Review status: criteria provided, single submitter. Criteria: ACMG Guidelines, 2015. Collection method: clinical testing. Allele origin: unknown. Affected: yes.
Comment: This variant was determined to be of uncertain significance according to ACMG Guidelines, 2015 [PMID:25741868].

Literature cited by the submitters: PubMed 22076597 (cited by Labcorp Genetics (formerly Invitae), Labcorp); PubMed 20676093 (cited by Labcorp Genetics (formerly Invitae), Labcorp); PubMed 23225259 (cited by Labcorp Genetics (formerly Invitae), Labcorp).